The following is an entry in ClinVar:

ClinVar aggregate classification (germline): Benign (1 of 4 stars; one submission).

Submission:

ISCA site 4
Classification: Benign. Last evaluated: 2011-08-12. Review status: criteria provided, single submitter. Criteria: Kaminsky et al. (Genet Med. 2011). Collection method: clinical testing. Allele origin: unknown. Affected: yes. Observed: 1 variant allele.
Comment: Copy number variation identified through the course of routine clinical cytogenomic testing in postnatal populations. Clinical assertions have been curated as described in Kaminsky et al. 2011.

GRCh38/hg38 17q21.31(chr17:46444520-46742963)x1

Genes: FAM215B (family with sequence similarity 215 member B; minus strand), ARL17A (ADP ribosylation factor like GTPase 17A; minus strand), LRRC37A2 (leucine rich repeat containing 37 member A2), NSF (N-ethylmaleimide sensitive factor, vesicle fusing ATPase; plus strand), LOC112533644 (Sharpr-MPRA regulatory region 12503; plus strand). Cytogenetic location: 17q21.31.
Variant type: copy number loss.
Change: copy number 1 (one copy instead of two) of chr17:46,444,520-46,742,963 (298.4 kb, GRCh38 coordinates, 1-based), cytogenetic band 17q21.31.
Identifiers: ClinVar variation 57349 (VCV000057349.1).